The following is an entry in ClinVar:

NM_001211.6(BUB1B):c.1102A>G (p.Thr368Ala)

Gene: BUB1B (BUB1 mitotic checkpoint serine/threonine kinase B; plus strand). Cytogenetic location: 15q15.1.
Variant type: single nucleotide variant.
Coding change: c.1102A>G on transcript NM_001211.6 (MANE Select); coding-DNA position 1102, A replaced by G.
Protein change: p.Thr368Ala; replaces threonine 368 with alanine.
Molecular consequence: missense variant.
Genome position (GRCh38, 1-based): chr15:40,196,588, A>G. VCF-style: chr15-40196588-A-G. GRCh37 (hg19) VCF-style: chr15-40488789-A-G.
Other names: short protein forms T368A.
Identifiers: ClinVar variation 2585917 (VCV002585917.2), dbSNP rs2542550321, ClinGen allele CA391687021.

ClinVar aggregate classification (germline): Uncertain significance (1 of 4 stars; one submission).

Conditions:
Inborn genetic diseases. Identifiers: MedGen C0950123, MeSH D030342.

Submission:

Ambry Genetics
Classification: Uncertain significance for Inborn genetic diseases. Last evaluated: 2023-07-21. Review status: criteria provided, single submitter. Criteria: Ambry Variant Classification Scheme 2023. Collection method: clinical testing. Allele origin: germline.
Comment: The p.T368A variant (also known as c.1102A>G), located in coding exon 9 of the BUB1B gene, results from an A to G substitution at nucleotide position 1102. The threonine at codon 368 is replaced by alanine, an amino acid with similar properties. This amino acid position is conserved. In addition, this alteration is predicted to be tolerated by in silico analysis. Since supporting evidence is limited at this time, the clinical significance of this alteration remains unclear.